The following is an entry in ClinVar:

NM_001851.6(COL9A1):c.2630G>A (p.Arg877Gln)

Gene: COL9A1 (collagen type IX alpha 1 chain; minus strand). Cytogenetic location: 6q13.
Variant type: single nucleotide variant.
Coding change: c.2630G>A on transcript NM_001851.6 (MANE Select); coding-DNA position 2630, G replaced by A.
Protein change: p.Arg877Gln; replaces arginine 877 with glutamine.
Molecular consequence: missense variant. On other transcripts: non-coding transcript variant (1).
Genome position (GRCh38, 1-based): chr6:70,217,033, C>T on the plus strand (G>A on the coding strand, the complement: COL9A1 is on the minus strand). VCF-style: chr6-70217033-C-T. GRCh37 (hg19) VCF-style: chr6-70926736-C-T.
Other names: c.1931G>A, p.Arg644Gln (NM_001377289.1); c.1754G>A, p.Arg585Gln (NM_001377290.1); c.1901G>A, p.Arg634Gln (NM_078485.4); short protein forms R585Q, R634Q, R644Q, R877Q.
Identifiers: ClinVar variation 1317361 (VCV001317361.7), dbSNP rs1408064118, ClinGen allele CA364668055.

ClinVar aggregate classification (germline): Uncertain significance. Review status: criteria provided, multiple submitters, no conflicts (2 of 4 stars). 2 submissions from 2 submitters: Uncertain significance (2). Last evaluated 2024-05-02.

Allele frequency attached by ClinVar (database versions not stated): gnomAD exomes below 0.00001.
gnomAD v4.1: 3 of 1,614,150 alleles (0.00019%); highest among the groups gnomAD compares: Non-Finnish European, 0.00025%; no homozygotes.

Submissions (2):

Labcorp Genetics (formerly Invitae), Labcorp
Classification: Uncertain significance. Last evaluated: 2024-05-02. Review status: criteria provided, single submitter. Criteria: Invitae Variant Classification Sherloc (09022015). Collection method: clinical testing. Allele origin: germline.
Comment: This sequence change replaces arginine, which is basic and polar, with glutamine, which is neutral and polar, at codon 877 of the COL9A1 protein (p.Arg877Gln). This variant is present in population databases (no rsID available, gnomAD 0.0009%). This variant has not been reported in the literature in individuals affected with COL9A1-related conditions. ClinVar contains an entry for this variant (Variation ID: 1317361). Advanced modeling of protein sequence and biophysical properties (such as structural, functional, and spatial information, amino acid conservation, physicochemical variation, residue mobility, and thermodynamic stability) performed at Invitae indicates that this missense variant is not expected to disrupt COL9A1 protein function with a negative predictive value of 95%. In summary, the available evidence is currently insufficient to determine the role of this variant in disease. Therefore, it has been classified as a Variant of Uncertain Significance.

GeneDx
Classification: Uncertain significance. Last evaluated: 2019-07-12. Review status: criteria provided, single submitter. Criteria: GeneDx Variant Classification Process June 2021. Collection method: clinical testing. Allele origin: germline. Affected: yes.
Comment: Has not been previously published as pathogenic or benign to our knowledge; Not observed at a significant frequency in large population cohorts (Lek et al., 2016); In silico analysis, which includes protein predictors and evolutionary conservation, supports that this variant does not alter protein structure/function